The following is an entry in ClinVar:

NM_033118.4(MYLK2):c.120C>A (p.Asp40Glu)

Gene: MYLK2 (myosin light chain kinase 2; plus strand). Cytogenetic location: 20q11.21.
Variant type: single nucleotide variant.
Coding change: c.120C>A on transcript NM_033118.4 (MANE Select); coding-DNA position 120, C replaced by A.
Protein change: p.Asp40Glu; replaces aspartic acid 40 with glutamic acid.
Molecular consequence: missense variant.
Genome position (GRCh38, 1-based): chr20:31,820,193, C>A. VCF-style: chr20-31820193-C-A. GRCh37 (hg19) VCF-style: chr20-30407996-C-A.
Other names: short protein forms D40E.
Identifiers: ClinVar variation 3658091 (VCV003658091.2).
Genomic context (GRCh38, chr20:31,820,193, plus strand): 5'-ACCTAAAGGTCCCACAGGTGAAAGACCCCTGGCTGCAGGGAAAGACCCTGGCCCCCCAGA[C>A]CCAAAGAAAGCTCCGGATCCACCCACCCTGAAGAAAGATGCCAAAGCCCCTGCCTCAGAG-3'
Protein context (NP_149109.1, residues 30-50): LAAGKDPGPP[Asp40Glu]PKKAPDPPTL

ClinVar aggregate classification (germline): Uncertain significance (1 of 4 stars; one submission).

Conditions:
Hypertrophic cardiomyopathy 1 (CMH1). Also called: Familial hypertrophic cardiomyopathy 1; MYH7-Related Familial Hypertrophic Cardiomyopathy. Identifiers: MedGen C3495498, MONDO:0008647, OMIM 192600.

gnomAD v4.1: 6 of 1,614,032 alleles (0.00037%); highest among the groups gnomAD compares: East Asian, 0.011%; no homozygotes.

Submission:

Labcorp Genetics (formerly Invitae), Labcorp
Classification: Uncertain significance for Hypertrophic cardiomyopathy 1. Last evaluated: 2024-06-28. Review status: criteria provided, single submitter. Criteria: Invitae Variant Classification Sherloc (09022015). Collection method: clinical testing. Allele origin: germline.
Comment: This sequence change replaces aspartic acid, which is acidic and polar, with glutamic acid, which is acidic and polar, at codon 40 of the MYLK2 protein (p.Asp40Glu). This variant is not present in population databases (gnomAD no frequency). This variant has not been reported in the literature in individuals affected with MYLK2-related conditions. Algorithms developed to predict the effect of missense changes on protein structure and function output the following: SIFT: "Not Available"; PolyPhen-2: "Benign"; Align-GVGD: "Not Available". The glutamic acid amino acid residue is found in multiple mammalian species, which suggests that this missense change does not adversely affect protein function. In summary, the available evidence is currently insufficient to determine the role of this variant in disease. Therefore, it has been classified as a Variant of Uncertain Significance.